The following is an entry in ClinVar:

NM_000528.4(MAN2B1):c.2279G>C (p.Arg760Pro)

Gene: MAN2B1 (mannosidase alpha class 2B member 1; minus strand). Cytogenetic location: 19p13.13.
Variant type: single nucleotide variant.
Coding change: c.2279G>C on transcript NM_000528.4 (MANE Select); coding-DNA position 2279, G replaced by C.
Protein change: p.Arg760Pro; replaces arginine 760 with proline.
Molecular consequence: missense variant.
Genome position (GRCh38, 1-based): chr19:12,649,417, C>G on the plus strand (G>C on the coding strand, the complement: MAN2B1 is on the minus strand). VCF-style: chr19-12649417-C-G. GRCh37 (hg19) VCF-style: chr19-12760231-C-G.
Other names: c.2276G>C, p.Arg759Pro (NM_001173498.2); short protein forms R759P, R760P.
Identifiers: ClinVar variation 2155546 (VCV002155546.4), dbSNP rs771163474, ClinGen allele CA404241773.

ClinVar aggregate classification (germline): Uncertain significance (1 of 4 stars; one submission).

Conditions:
Deficiency of alpha-mannosidase (MANSA). Also called: Mannosidosis, alpha-, types I and II; LYSOSOMAL ALPHA-D-MANNOSIDASE DEFICIENCY; Alpha-Mannosidosis. Identifiers: Orphanet 61, MedGen C0024748, MONDO:0009561, OMIM 248500.

Allele frequency attached by ClinVar (database versions not stated): TOPMed below 0.00001.
gnomAD v4.1: 1 of 1,603,910 alleles (0.000062%); highest among the groups gnomAD compares: Non-Finnish European, 0.000085%; no homozygotes.

Submission:

Labcorp Genetics (formerly Invitae), Labcorp
Classification: Uncertain significance for Deficiency of alpha-mannosidase. Last evaluated: 2023-10-03. Review status: criteria provided, single submitter. Criteria: Invitae Variant Classification Sherloc (09022015). Collection method: clinical testing. Allele origin: germline.
Comment: This sequence change replaces arginine, which is basic and polar, with proline, which is neutral and non-polar, at codon 760 of the MAN2B1 protein (p.Arg760Pro). This variant is not present in population databases (gnomAD no frequency). This variant has not been reported in the literature in individuals affected with MAN2B1-related conditions. ClinVar contains an entry for this variant (Variation ID: 2155546). Advanced modeling of protein sequence and biophysical properties (such as structural, functional, and spatial information, amino acid conservation, physicochemical variation, residue mobility, and thermodynamic stability) has been performed at Invitae for this missense variant, however the output from this modeling did not meet the statistical confidence thresholds required to predict the impact of this variant on MAN2B1 protein function. In summary, the available evidence is currently insufficient to determine the role of this variant in disease. Therefore, it has been classified as a Variant of Uncertain Significance.